The following is an entry in ClinVar:

ClinVar aggregate classification (germline): Uncertain significance (1 of 4 stars; one submission).

Allele frequency attached by ClinVar (database versions not stated): gnomAD 0.00005; TOPMed 0.00007; 1000 Genomes Project 30x 0.00016; ExAC 0.00018; 1000 Genomes Project 0.00020.
gnomAD v4.1: 71 of 1,613,984 alleles (0.0044%); highest among the groups gnomAD compares: East Asian, 0.094%; no homozygotes.

Submission:

Labcorp Genetics (formerly Invitae), Labcorp
Classification: Uncertain significance. Last evaluated: 2022-01-17. Review status: criteria provided, single submitter. Criteria: Invitae Variant Classification Sherloc (09022015). Collection method: clinical testing. Allele origin: germline.
Comment: This sequence change replaces histidine, which is basic and polar, with glutamine, which is neutral and polar, at codon 459 of the CEP63 protein (p.His459Gln). In summary, the available evidence is currently insufficient to determine the role of this variant in disease. Therefore, it has been classified as a Variant of Uncertain Significance. Algorithms developed to predict the effect of missense changes on protein structure and function are either unavailable or do not agree on the potential impact of this missense change (SIFT: "Deleterious"; PolyPhen-2: "Benign"; Align-GVGD: "Class C0"). This variant has not been reported in the literature in individuals affected with CEP63-related conditions. This variant is present in population databases (rs149503464, gnomAD 0.1%).

NM_001353108.3(CEP63):c.1377T>G (p.His459Gln)

Gene: CEP63 (centrosomal protein 63; plus strand). Cytogenetic location: 3q22.2.
Variant type: single nucleotide variant.
Coding change: c.1377T>G on transcript NM_001353108.3 (MANE Select); coding-DNA position 1377, T replaced by G.
Protein change: p.His459Gln; replaces histidine 459 with glutamine.
Molecular consequence: missense variant. On other transcripts: non-coding transcript variant (4).
Genome position (GRCh38, 1-based): chr3:134,550,257, T>G. VCF-style: chr3-134550257-T-G. GRCh37 (hg19) VCF-style: chr3-134269099-T-G.
Other names: c.1239T>G, p.His413Gln (NM_001042383.2, NM_001042384.2, NM_001353109.1 and 6 more transcripts); c.1377T>G, p.His459Gln (NM_001042400.3, NM_001353110.1, NM_001353111.2 and 4 more transcripts); c.1266T>G, p.His422Gln (NM_001353118.1); c.1155T>G, p.His385Gln (NM_001353125.2); c.876T>G, p.His292Gln (NM_001353126.2); short protein forms H292Q, H413Q, H422Q, H385Q, H459Q.
Identifiers: ClinVar variation 2196560 (VCV002196560.2), dbSNP rs149503464, ClinGen allele CA2628650.